The following is an entry in ClinVar:

ClinVar aggregate classification (germline): Pathogenic (1 of 4 stars; one submission).

Conditions:
Neurofibromatosis, type 1 (NF1). Also called: NEUROFIBROMATOSIS, TYPE I, SOMATIC; VON RECKLINGHAUSEN DISEASE; Peripheral type neurofibromatosis; Neurofibromatosis, type I. Identifiers: Orphanet 636, MedGen C0027831, MONDO:0018975, OMIM 162200. Disease mechanism: loss of function.

Submission:

Foundation for Research in Genetics and Endocrinology, FRIGE's Institute of Human Genetics
Classification: Pathogenic for Neurofibromatosis, type 1. Last evaluated: 2020-10-13. Review status: criteria provided, single submitter. Criteria: ACMG Guidelines, 2015. Collection method: clinical testing. Allele origin: germline. Inheritance: Autosomal dominant inheritance. Affected: yes. Observed: 1 heterozygote.
Comment: A heterozygous 4 base pair deletion in exon 28 of the NF1 gene that results in a frameshift and premature truncation of the protein 5 amino acids downstream to codon 1260 was detected. The observed variant c.3778_3781del (p.Met1260PhefsTer5) has not been reported in the 1000 genomes and gnomAD databases. The in silico prediction of the variant is damaging by MutationTaster2. The reference codon is conserved across species. In summary, the variant meets our criteria to be classified as pathogenic.

NM_001042492.3(NF1):c.3778_3781del (p.Met1260fs)

Gene: NF1 (neurofibromin 1; plus strand). Cytogenetic location: 17q11.2.
Variant type: Deletion.
Coding change: c.3778_3781del on transcript NM_001042492.3 (MANE Select); coding-DNA positions 3778 to 3781, 4 bases deleted (ATGT; older notation c.3778_3781delATGT).
Protein change: p.Met1260fs; shifts the reading frame from methionine 1260.
Molecular consequence: frameshift variant.
Genome position (GRCh38, 1-based): chr17:31,235,680-31,235,683, ATGT deleted. VCF-style (leftmost placement, unchanged base first): chr17-31235679-CATGT-C. GRCh37 (hg19) VCF-style: chr17-29562697-CATGT-C.
Other names: c.3778_3781delATGT, p.Met1260Phefs (NM_000267.4); short protein forms M1260fs.
Identifiers: ClinVar variation 986734 (VCV000986734.3), dbSNP rs2067187424, ClinGen allele CA1139665342.